The following is an entry in ClinVar:

NM_003954.5(MAP3K14):c.2639G>A (p.Arg880Gln)

Genes: MAP3K14 (mitogen-activated protein kinase kinase kinase 14; minus strand), MAP3K14-AS1 (MAP3K14 antisense RNA 1; plus strand). Cytogenetic location: 17q21.31.
Variant type: single nucleotide variant.
Coding change: c.2639G>A on transcript NM_003954.5 (MANE Select); coding-DNA position 2639, G replaced by A.
Protein change: p.Arg880Gln; replaces arginine 880 with glutamine.
Molecular consequence: missense variant.
Genome position (GRCh38, 1-based): chr17:45,265,203, C>T on the plus strand (G>A on the coding strand, the complement: MAP3K14 is on the minus strand). VCF-style: chr17-45265203-C-T. GRCh37 (hg19) VCF-style: chr17-43342570-C-T.
Other names: short protein forms R880Q.
Identifiers: ClinVar variation 1427660 (VCV001427660.6), dbSNP rs772349799, ClinGen allele CA8613816.

ClinVar aggregate classification (germline): Uncertain significance (1 of 4 stars; one submission).

Conditions:
NIK deficiency. Also called: Primary immunodeficiency with multifaceted aberrant lymphoid immunity. Identifiers: Orphanet 447731, MedGen C5680065, MONDO:0018642.

Allele frequency attached by ClinVar (database versions not stated): ExAC 0.00001; TOPMed 0.00001.
gnomAD v4.1: 9 of 1,613,934 alleles (0.00056%); highest among the groups gnomAD compares: South Asian, 0.0022%; no homozygotes.

Submission:

Labcorp Genetics (formerly Invitae), Labcorp
Classification: Uncertain significance for NIK deficiency. Last evaluated: 2021-09-01. Review status: criteria provided, single submitter. Criteria: Invitae Variant Classification Sherloc (09022015). Collection method: clinical testing. Allele origin: germline.
Comment: In summary, the available evidence is currently insufficient to determine the role of this variant in disease. Therefore, it has been classified as a Variant of Uncertain Significance. This sequence change replaces arginine with glutamine at codon 880 of the MAP3K14 protein (p.Arg880Gln). The arginine residue is highly conserved and there is a small physicochemical difference between arginine and glutamine. Experimental studies and prediction algorithms are not available or were not evaluated, and the functional significance of this variant is currently unknown. This variant has not been reported in the literature in individuals affected with MAP3K14-related conditions. This variant is present in population databases (rs772349799, ExAC 0.001%).